The following is an entry in ClinVar:

ClinVar aggregate classification (germline): Uncertain significance (1 of 4 stars; one submission).

Submission:

GeneDx
Classification: Uncertain significance. Last evaluated: 2024-11-25. Review status: criteria provided, single submitter. Criteria: GeneDx Variant Classification Process June 2021. Collection method: clinical testing. Allele origin: germline. Affected: yes.
Comment: Not observed at significant frequency in large population cohorts (gnomAD); In silico analysis indicates that this missense variant does not alter protein structure/function; Has not been previously published as pathogenic or benign to our knowledge

NM_006885.4(ZFHX3):c.8390G>A (p.Arg2797Lys)

Genes: ZFHX3 (zinc finger homeobox 3; minus strand), ZFHX3-AS1 (ZFHX3 antisense RNA 1; plus strand). Cytogenetic location: 16q22.2.
Variant type: single nucleotide variant.
Coding change: c.8390G>A on transcript NM_006885.4 (MANE Select); coding-DNA position 8390, G replaced by A.
Protein change: p.Arg2797Lys; replaces arginine 2797 with lysine.
Molecular consequence: missense variant.
Genome position (GRCh38, 1-based): chr16:72,794,292, C>T on the plus strand (G>A on the coding strand, the complement: ZFHX3 is on the minus strand). VCF-style: chr16-72794292-C-T. GRCh37 (hg19) VCF-style: chr16-72828191-C-T.
Other names: c.5648G>A, p.Arg1883Lys (NM_001164766.2); c.8390G>A, p.Arg2797Lys (NM_001386735.1); short protein forms R1883K, R2797K.
Identifiers: ClinVar variation 3900558 (VCV003900558.1).